The following is an entry in ClinVar:

NM_001005373.4(LRSAM1):c.514G>A (p.Val172Ile)

Gene: LRSAM1 (leucine rich repeat and sterile alpha motif containing 1; plus strand). Cytogenetic location: 9q33.3.
Variant type: single nucleotide variant.
Coding change: c.514G>A on transcript NM_001005373.4 (MANE Select); coding-DNA position 514, G replaced by A.
Protein change: p.Val172Ile; replaces valine 172 with isoleucine.
Molecular consequence: missense variant. On other transcripts: 5 prime UTR variant (1), non-coding transcript variant (2).
Genome position (GRCh38, 1-based): chr9:127,462,359, G>A. VCF-style: chr9-127462359-G-A. GRCh37 (hg19) VCF-style: chr9-130224638-G-A.
Other names: c.514G>A, p.Val172Ile (NM_001005374.4, NM_001190723.3, NM_001384142.1 and 2 more transcripts); c.-271G>A (NM_001384144.1); short protein forms V172I.
Identifiers: ClinVar variation 1057816 (VCV001057816.11), dbSNP rs529333601, ClinGen allele CA5246567.

ClinVar aggregate classification (germline): Uncertain significance. Review status: criteria provided, multiple submitters, no conflicts (2 of 4 stars). 3 submissions from 3 submitters: Uncertain significance (3). Last evaluated 2025-04-23.

Conditions:
Charcot-Marie-Tooth disease axonal type 2P. Also called: CHARCOT-MARIE-TOOTH DISEASE, AXONAL, TYPE 2G; CMT 2G; Charcot-Marie-Tooth Neuropathy Type 2G; CHARCOT-MARIE-TOOTH NEUROPATHY, TYPE 2P. Identifiers: Orphanet 300319, Orphanet 99941, MedGen C3280797, MONDO:0013753, OMIM 614436.

Allele frequency attached by ClinVar (database versions not stated): gnomAD 0.00004 and 0.00007; TOPMed 0.00008; gnomAD exomes 0.00010 and 0.00012; ExAC 0.00013; 1000 Genomes Project 0.00040; 1000 Genomes Project 30x 0.00062.
gnomAD v4.1: 157 of 1,613,938 alleles (0.0097%); highest among the groups gnomAD compares: South Asian, 0.058%; no homozygotes.

Submissions (3):

Labcorp Genetics (formerly Invitae), Labcorp
Classification: Uncertain significance for Charcot-Marie-Tooth disease axonal type 2P. Last evaluated: 2025-04-23. Review status: criteria provided, single submitter. Criteria: Invitae Variant Classification Sherloc (09022015). Collection method: clinical testing. Allele origin: germline.
Comment: This sequence change replaces valine, which is neutral and non-polar, with isoleucine, which is neutral and non-polar, at codon 172 of the LRSAM1 protein (p.Val172Ile). This variant is present in population databases (rs529333601, gnomAD 0.05%). This variant has not been reported in the literature in individuals affected with LRSAM1-related conditions. ClinVar contains an entry for this variant (Variation ID: 1057816). Invitae Evidence Modeling of protein sequence and biophysical properties (such as structural, functional, and spatial information, amino acid conservation, physicochemical variation, residue mobility, and thermodynamic stability) indicates that this missense variant is not expected to disrupt LRSAM1 protein function with a negative predictive value of 80%. In summary, the available evidence is currently insufficient to determine the role of this variant in disease. Therefore, it has been classified as a Variant of Uncertain Significance.

Blueprint Genetics
Classification: Uncertain significance. Last evaluated: 2024-09-12. Review status: criteria provided, single submitter. Criteria: ACMG Guidelines, 2015. Collection method: clinical testing. Allele origin: germline.

GeneDx
Classification: Uncertain significance. Last evaluated: 2023-12-27. Review status: criteria provided, single submitter. Criteria: GeneDx Variant Classification Process June 2021. Collection method: clinical testing. Allele origin: germline. Affected: yes.
Comment: In silico analysis supports that this missense variant does not alter protein structure/function; Has not been previously published as pathogenic or benign to our knowledge; This variant is associated with the following publications: (PMID: 22781092)